The following is an entry in ClinVar:

ClinVar aggregate classification (germline): Conflicting classifications of pathogenicity. Review status: criteria provided, conflicting classifications (1 of 4 stars). 2 submissions from 2 submitters: Likely pathogenic (1); Uncertain significance (1). Last evaluated 2026-09-28.

Conditions:
Gastrointestinal stromal tumor. Also called: Gastrointestinal stroma tumor; Gastrointestinal stromal tumor, somatic. Identifiers: Orphanet 44890, MedGen C0238198, MeSH D046152, MONDO:0011719, OMIM 606764, HP:0100723.
Rare genetic inflammatory skin disorders.

Submissions (2):

Genetics Laboratory, Great Ormond Street Hospital NHS Foundation Trust, North Thames Genomic Laboratory Hub
Classification: Likely pathogenic for Rare genetic inflammatory skin disorders. Last evaluated: 2026-09-28. Review status: criteria provided, single submitter. Criteria: ACGS Best Practice Guidelines for Variant Classification in Rare Disease 2024 v1.2. Collection method: clinical testing. Allele origin: germline. Affected: yes.
Comment: PS4_moderate, PM2_moderate, PM4_supporting, PS3_supporting, PM6_supporting

Labcorp Genetics (formerly Invitae), Labcorp
Classification: Uncertain significance for Gastrointestinal stromal tumor. Last evaluated: 2023-06-09. Review status: criteria provided, single submitter. Criteria: Invitae Variant Classification Sherloc (09022015). Collection method: clinical testing. Allele origin: germline.
Comment: In summary, the available evidence is currently insufficient to determine the role of this variant in disease. Therefore, it has been classified as a Variant of Uncertain Significance. Experimental studies have shown that this variant affects KIT function (PMID: 16143141). Algorithms developed to predict the effect of variants on protein structure and function are not available or were not evaluated for this variant. This variant has been observed in individual(s) with clinical features of KIT-related conditions (PMID: 16143141, 21854415). It has also been observed to segregate with disease in related individuals. This variant is not present in population databases (gnomAD no frequency). This variant, c.1255_1257del, results in the deletion of 1 amino acid(s) of the KIT protein (p.Asp419del), but otherwise preserves the integrity of the reading frame.

Literature cited by the submitters: PubMed 16143141 (cited by Labcorp Genetics (formerly Invitae), Labcorp); PubMed 21854415 (cited by Labcorp Genetics (formerly Invitae), Labcorp).

NM_000222.3(KIT):c.1255_1257del (p.Asp419del)

Gene: KIT (KIT proto-oncogene, receptor tyrosine kinase; plus strand). Cytogenetic location: 4q12.
Variant type: Deletion.
Coding change: c.1255_1257del on transcript NM_000222.3 (MANE Select); coding-DNA positions 1255 to 1257, 3 bases deleted (GAC; older notation c.1255_1257delGAC).
Protein change: p.Asp419del; deletes aspartic acid 419.
Molecular consequence: inframe deletion.
Genome position (GRCh38, 1-based): chr4:54,723,607-54,723,609, GAC deleted; deleting any 3 consecutive bases within chr4:54,723,605-54,723,609 gives the same sequence; the c. name uses the placement nearest the transcript's 3' end. VCF-style (leftmost placement, unchanged base first): chr4-54723604-TACG-T. GRCh37 (hg19) VCF-style: chr4-55589770-TACG-T.
Other names: c.1255_1257del, p.Asp419del (NM_001093772.2, NM_001385285.1, NM_001385286.1); c.1258_1260del, p.Asp420del (NM_001385284.1, NM_001385288.1, NM_001385290.1 and 1 more transcripts); short protein forms D419del, D420del.
Identifiers: ClinVar variation 2734654 (VCV002734654.4), dbSNP rs2109760516, ClinGen allele CA645529019.
Genomic context (GRCh38, chr4:54,723,604, plus strand): 5'-TCCAGCACTCTGACATATGGCCATTTCTGTTTTCCTGTAGCAAAACCAGAAATCCTGACT[TACG>T]ACAGGCTCGTGAATGGCATGCTCCAATGTGTGGCAGCAGGATTCCCAGAGCCCACAATAG-3'